The following is an entry in ClinVar:

NM_030662.4(MAP2K2):c.450+17C>T

Gene: MAP2K2 (mitogen-activated protein kinase kinase 2; minus strand). Cytogenetic location: 19p13.3.
Variant type: single nucleotide variant.
Coding change: c.450+17C>T on transcript NM_030662.4 (MANE Select); 17 bases into the intron after coding-DNA position 450, C replaced by T.
Molecular consequence: intron variant.
Genome position (GRCh38, 1-based): chr19:4,110,492, G>A on the plus strand (C>T on the coding strand, the complement: MAP2K2 is on the minus strand). VCF-style: chr19-4110492-G-A. GRCh37 (hg19) VCF-style: chr19-4110490-G-A.
Identifiers: ClinVar variation 378105 (VCV000378105.13), dbSNP rs199892711, ClinGen allele CA9090993.
Genomic context (GRCh38, chr19:4,110,492, plus strand): 5'-TGAGGGGGTCTTCCTTCTCCCCAACATGCTCTGTTCCGTGGAGGCCCTGCCCCTGCCCCT[G>A]CCCCGGACGCACTCACCATGTGTTCCATGCAAATGCTGATCTCCCCGTCACTGTAGAAGG-3'

ClinVar aggregate classification (germline): Benign/Likely benign. Review status: criteria provided, multiple submitters, no conflicts (2 of 4 stars). 5 submissions from 5 submitters: Benign (2); Likely benign (3). Last evaluated 2026-01-18.

Conditions:
RASopathy. Also called: rasopathies; Noonan spectrum disorder. Identifiers: Orphanet 536391, MedGen C5555857, MONDO:0021060.
Cardiofaciocutaneous syndrome 4 (CFC4). Also called: MAP2K2-Related Cardiofaciocutaneous Syndrome. Identifiers: Orphanet 1340, MedGen C3809007, MONDO:0014114, OMIM 615280.

Allele frequency attached by ClinVar (database versions not stated): gnomAD exomes 0.00002 and 0.00006; ExAC 0.00005; ESP Exome Variant Server 0.00015; 1000 Genomes Project 0.00020; gnomAD 0.00021; TOPMed 0.00027; 1000 Genomes Project 30x 0.00031.
gnomAD v4.1: 68 of 1,612,294 alleles (0.0042%); highest among the groups gnomAD compares: African/African-American, 0.083%; no homozygotes.

Submissions (6):

Labcorp Genetics (formerly Invitae), Labcorp
Classification: Benign for RASopathy. Last evaluated: 2026-01-18. Review status: criteria provided, single submitter. Criteria: Invitae Variant Classification Sherloc (09022015). Collection method: clinical testing. Allele origin: germline.

Blueprint Genetics
Classification: Likely benign. Last evaluated: 2023-12-14. Review status: criteria provided, single submitter. Criteria: ACMG Guidelines, 2015. Collection method: clinical testing. Allele origin: germline.

Fulgent Genetics
Classification: Likely benign for Cardiofaciocutaneous syndrome 4. Last evaluated: 2021-09-30. Review status: criteria provided, single submitter. Criteria: ACMG Guidelines, 2015. Collection method: clinical testing. Allele origin: unknown.

Women's Health and Genetics/Laboratory Corporation of America, LabCorp
Classification: Benign. Last evaluated: 2020-07-13. Review status: criteria provided, single submitter. Criteria: LabCorp Variant Classification Summary - May 2015. Collection method: clinical testing. Allele origin: germline.
Comment: Variant summary: MAP2K2 c.450+17C>T alters a non-conserved nucleotide located close to a canonical splice site and therefore could affect mRNA splicing, leading to a significantly altered protein sequence. Several computational tools predict a significant impact on normal splicing: Three predict the variant creates a cryptic 5 donor site. However, these predictions have yet to be confirmed by functional studies. The variant allele was found at a frequency of 6.4e-05 in 281064 control chromosomes, predominantly at a frequency of 0.00072 within the African or African-American subpopulation in the gnomAD database. The observed variant frequency within African or African-American control individuals in the gnomAD database is approximately 288 fold of the estimated maximal expected allele frequency for a pathogenic variant in MAP2K2 causing Noonan Syndrome And Related Conditions phenotype (2.5e-06), strongly suggesting that the variant is a benign polymorphism found primarily in populations of African or African-American origin. To our knowledge, no occurrence of c.450+17C>T in individuals affected with Noonan Syndrome And Related Conditions and no experimental evidence demonstrating its impact on protein function have been reported. One ClinVar submitter (evaluation after 2014) cites the variant as likely benign. Based on the evidence outlined above, the variant was classified as benign.

GeneDx
Classification: Likely benign. Last evaluated: 2017-07-21. Review status: criteria provided, single submitter. Criteria: GeneDx Variant Classification (06012015). Collection method: clinical testing. Allele origin: germline. Affected: yes.
Comment: This variant is considered likely benign or benign based on one or more of the following criteria: it is a conservative change, it occurs at a poorly conserved position in the protein, it is predicted to be benign by multiple in silico algorithms, and/or has population frequency not consistent with disease.

Dr. Peter K. Rogan Lab, Western University
No classification provided (evidence only). Condition: Familial cancer of breast. Review status: no classification provided. Collection method: in vitro. Allele origin: not applicable. Functional consequence: retained intron. Not counted in ClinVar's aggregate classification.